The following is an entry in ClinVar:

NM_000170.3(GLDC):c.512G>A (p.Gly171Glu)

Gene: GLDC (glycine decarboxylase; minus strand). Cytogenetic location: 9p24.1.
Variant type: single nucleotide variant.
Coding change: c.512G>A on transcript NM_000170.3 (MANE Select); coding-DNA position 512, G replaced by A.
Protein change: p.Gly171Glu; replaces glycine 171 with glutamic acid.
Molecular consequence: missense variant.
Genome position (GRCh38, 1-based): chr9:6,610,315, C>T on the plus strand (G>A on the coding strand, the complement: GLDC is on the minus strand). VCF-style: chr9-6610315-C-T. GRCh37 (hg19) VCF-style: chr9-6610315-C-T.
Other names: short protein forms G171E.
Identifiers: ClinVar variation 4056496 (VCV004056496.1).

ClinVar aggregate classification (germline): Uncertain significance (1 of 4 stars; one submission).

Conditions:
Glycine encephalopathy 1 (GCE1). Identifiers: MedGen CN376801, MONDO:0958179, OMIM 605899.

Submission:

Laboratorio de Genetica e Diagnostico Molecular, Hospital Israelita Albert Einstein
Classification: Uncertain significance for Glycine encephalopathy 1. Last evaluated: 2023-11-25. Review status: criteria provided, single submitter. Criteria: ACMG Guidelines, 2015. Collection method: clinical testing. Allele origin: germline. Affected: yes.
Comment: ACMG classification criteria: PM2 moderate, PM3 supporting, PP3 supporting